The following is an entry in ClinVar:

ClinVar aggregate classification (germline): Likely benign. Review status: criteria provided, multiple submitters, no conflicts (2 of 4 stars). 5 submissions from 5 submitters: Likely benign (5). Last evaluated 2026-02-01.

Conditions:
RNASEH1-related disorder. Also called: RNASEH1-related condition.

Allele frequency attached by ClinVar (database versions not stated): 1000 Genomes Project 30x 0.00016; 1000 Genomes Project 0.00020; gnomAD 0.00023 and 0.00024; gnomAD exomes 0.00023 and 0.00029; TOPMed 0.00026; ExAC 0.00028; ESP Exome Variant Server 0.00038.
gnomAD v4.1: 387 of 1,613,750 alleles (0.024%); highest among the groups gnomAD compares: Middle Eastern, 0.35%; 2 homozygotes.

Submissions (5):

Labcorp Genetics (formerly Invitae), Labcorp
Classification: Likely benign. Last evaluated: 2026-02-01. Review status: criteria provided, single submitter. Criteria: Invitae Variant Classification Sherloc (09022015). Collection method: clinical testing. Allele origin: germline.

CeGaT Center for Human Genetics Tuebingen
Classification: Likely benign. Last evaluated: 2025-11-01. Review status: criteria provided, single submitter. Criteria: CeGaT Center For Human Genetics Tuebingen Variant Classification Criteria Version 2. Collection method: clinical testing. Allele origin: germline. Affected: yes. Observed: 1 variant allele.
Comment: RNASEH1: BP4

PreventionGenetics, part of Exact Sciences
Classification: Likely benign for RNASEH1-related condition. Last evaluated: 2025-06-28. Review status: criteria provided, single submitter. Criteria: ACMG Guidelines, 2015. Collection method: clinical testing. Allele origin: germline.
Comment: This variant is classified as likely benign based on ACMG/AMP sequence variant interpretation guidelines (Richards et al. 2015 PMID: 25741868, with internal and published modifications).

Blueprint Genetics
Classification: Likely benign. Last evaluated: 2024-10-18. Review status: criteria provided, single submitter. Criteria: ACMG Guidelines, 2015. Collection method: clinical testing. Allele origin: germline.

Breakthrough Genomics
Classification: Likely benign. Review status: criteria provided, single submitter. Criteria: ACMG Guidelines, 2015. Collection method: not provided. Allele origin: germline. Inheritance: Autosomal recessive inheritance. Affected: yes.

NM_002936.6(RNASEH1):c.729C>T (p.Asp243=)

Gene: RNASEH1 (ribonuclease H1; minus strand). Cytogenetic location: 2p25.3.
Variant type: single nucleotide variant.
Coding change: c.729C>T on transcript NM_002936.6 (MANE Select); coding-DNA position 729, C replaced by T.
Protein change: p.Asp243=; no amino-acid change (aspartic acid 243 retained).
Molecular consequence: synonymous variant. On other transcripts: non-coding transcript variant (7).
Genome position (GRCh38, 1-based): chr2:3,547,976, G>A on the plus strand (C>T on the coding strand, the complement: RNASEH1 is on the minus strand). VCF-style: chr2-3547976-G-A. GRCh37 (hg19) VCF-style: chr2-3595566-G-A.
Other names: c.651C>T, p.Asp217= (NM_001286834.3); c.378C>T, p.Asp126= (NM_001286837.3); c.729C>T, p.Asp243= (NM_001378271.1); c.726C>T, p.Asp242= (NM_001378272.1); c.714C>T, p.Asp238= (NM_001378273.1).
Identifiers: ClinVar variation 735901 (VCV000735901.18), dbSNP rs138756800, ClinGen allele CA1516146.
Genomic context (GRCh38, chr2:3,547,976, plus strand): 5'-ATTTAAGATACTCACCCACTGAATGTCCATCCCCTGGGTAAGCCTCTCCAGTGCCACAAA[G>A]TCCTCTTTGTTGATCACCTCTTTCCCTGCACTTGTCTTCCACCCATTTTTCTTCCAACCT-3'
Protein context (NP_002927.2, residues 233-253): SAGKEVINKE[Asp243=]FVALERLTQG